The following is an entry in ClinVar:

ClinVar aggregate classification (germline): Conflicting classifications of pathogenicity. Review status: criteria provided, conflicting classifications (1 of 4 stars). 2 submissions from 2 submitters: Uncertain significance (1); Likely benign (1). Last evaluated 2025-11-03.

Conditions:
Leber congenital amaurosis 13 (LCA13). Identifiers: MedGen C2675186, MONDO:0012990, OMIM 612712.

gnomAD v4.1: 6 of 1,612,330 alleles (0.00037%); highest among the groups gnomAD compares: African/African-American, 0.0013%; no homozygotes.

Submissions (2):

Labcorp Genetics (formerly Invitae), Labcorp
Classification: Uncertain significance for Leber congenital amaurosis 13. Last evaluated: 2025-11-03. Review status: criteria provided, single submitter. Criteria: Invitae Variant Classification Sherloc (09022015). Collection method: clinical testing. Allele origin: germline.
Comment: This sequence change falls in intron 5 of the RDH12 gene. It does not directly change the encoded amino acid sequence of the RDH12 protein. This variant is present in population databases (no rsID available, gnomAD 0.01%). This variant has not been reported in the literature in individuals affected with RDH12-related conditions. Algorithms developed to predict the effect of sequence changes on RNA splicing suggest that this variant may create or strengthen a splice site. In summary, the available evidence is currently insufficient to determine the role of this variant in disease. Therefore, it has been classified as a Variant of Uncertain Significance.

Blueprint Genetics
Classification: Likely benign. Last evaluated: 2021-03-08. Review status: criteria provided, single submitter. Criteria: ACMG Guidelines, 2015. Collection method: clinical testing. Allele origin: germline.

NM_152443.3(RDH12):c.343+14G>A

Genes: GPHN (gephyrin; plus strand), RDH12 (retinol dehydrogenase 12; plus strand). Cytogenetic location: 14q24.1.
Variant type: single nucleotide variant.
Coding change: c.343+14G>A on transcript NM_152443.3 (MANE Select); 14 bases into the intron after coding-DNA position 343, G replaced by A.
Molecular consequence: intron variant.
Genome position (GRCh38, 1-based): chr14:67,725,268, G>A. VCF-style: chr14-67725268-G-A. GRCh37 (hg19) VCF-style: chr14-68191985-G-A.
Identifiers: ClinVar variation 4736760 (VCV004736760.2).